The following is an entry in ClinVar:

ClinVar aggregate classification (germline): Likely pathogenic (1 of 4 stars; one submission).

Conditions:
Duchenne muscular dystrophy (DMD). Also called: MUSCULAR DYSTROPHY, PSEUDOHYPERTROPHIC PROGRESSIVE, DUCHENNE TYPE; Duchenne Muscular Dystrophy (DMD). Identifiers: Orphanet 98896, MedGen C0013264, MONDO:0010679, OMIM 310200.

Submission:

Labcorp Genetics (formerly Invitae), Labcorp
Classification: Likely pathogenic for Duchenne muscular dystrophy. Last evaluated: 2021-12-11. Review status: criteria provided, single submitter. Criteria: Invitae Variant Classification Sherloc (09022015). Collection method: clinical testing. Allele origin: germline.
Comment: In summary, the currently available evidence indicates that the variant is pathogenic, but additional data are needed to prove that conclusively. Therefore, this variant has been classified as Likely Pathogenic. Studies have shown that this variant is associated with altered splicing, but the impact on the resulting protein product is unknown (PMID: 10533061). Disruption of this splice site has been observed in individual(s) with Becker muscular dystrophy (PMID: 10533061). This variant is not present in population databases (gnomAD no frequency). This sequence change affects an acceptor splice site in intron 74 of the DMD gene. It is expected to disrupt RNA splicing. Variants that disrupt the donor or acceptor splice site typically lead to a loss of protein function (PMID: 16199547), and loss-of-function variants in DMD are known to be pathogenic (PMID: 16770791, 25007885).

Literature cited by the submitters: PubMed 10533061; PubMed 16199547; PubMed 16770791; PubMed 25007885.

NM_004006.3(DMD):c.10554-1G>C

Gene: DMD (dystrophin; minus strand). Cytogenetic location: Xp21.2.
Variant type: single nucleotide variant.
Coding change: c.10554-1G>C on transcript NM_004006.3 (MANE Select); the canonical splice acceptor site of the intron before coding-DNA position 10554, G replaced by C.
Molecular consequence: splice acceptor variant.
Genome position (GRCh38, 1-based): chrX:31,147,519, C>G on the plus strand (G>C on the coding strand, the complement: DMD is on the minus strand). VCF-style: chrX-31147519-C-G. GRCh37 (hg19) VCF-style: chrX-31165636-C-G.
Other names: c.10530-1G>C (NM_000109.4); c.6531-1G>C (NM_004011.4); c.6522-1G>C (NM_004012.4); c.2844-1G>C (NM_004023.3, NM_004020.4); c.3135-1G>C (NM_004022.3); c.3174-1G>C (NM_004021.3, NM_004013.3); c.2367-1G>C (NM_004014.3); c.1311-1G>C (NM_004018.3, NM_004017.3); and 3 more.
Identifiers: ClinVar variation 1955129 (VCV001955129.5), dbSNP rs2519446696, ClinGen allele CA412649708.